The following is an entry in ClinVar:

ClinVar aggregate classification (germline): Uncertain significance. Review status: criteria provided, multiple submitters, no conflicts (2 of 4 stars). 2 submissions from 2 submitters: Uncertain significance (2). Last evaluated 2025-02-03.

Conditions:
Inborn genetic diseases. Identifiers: MedGen C0950123, MeSH D030342.
Cornelia de Lange syndrome 1 (CDLS1). Also called: NIPBL-Related Cornelia de Lange Syndrome; TYPUS DEGENERATIVUS AMSTELODAMENSIS; Brachmann de Lange syndrome. Identifiers: Orphanet 199, MedGen C4551851, MONDO:0007387, OMIM 122470.

Submissions (2):

Ambry Genetics
Classification: Uncertain significance for Inborn genetic diseases. Last evaluated: 2025-02-03. Review status: criteria provided, single submitter. Criteria: Ambry Variant Classification Scheme 2023. Collection method: clinical testing. Allele origin: germline.
Comment: The c.5808+6_5808+8delAAG alteration is located in Intron 31 (E) of the NIPBL gene. This alteration consists of a deletion of 3 nucleotides at nucleotide position c.58086 Intron 31 (E). Based on insufficient or conflicting evidence, the clinical significance of this alteration remains unclear.

Labcorp Genetics (formerly Invitae), Labcorp
Classification: Uncertain significance for Cornelia de Lange syndrome 1. Last evaluated: 2024-12-02. Review status: criteria provided, single submitter. Criteria: Invitae Variant Classification Sherloc (09022015). Collection method: clinical testing. Allele origin: germline.
Comment: This sequence change falls in intron 31 of the NIPBL gene. It does not directly change the encoded amino acid sequence of the NIPBL protein. It affects a nucleotide within the consensus splice site. This variant is present in population databases (rs756996385, gnomAD 0.006%). This variant has not been reported in the literature in individuals affected with NIPBL-related conditions. Variants that disrupt the consensus splice site are a relatively common cause of aberrant splicing (PMID: 17576681, 9536098). Algorithms developed to predict the effect of sequence changes on RNA splicing suggest that this variant is not likely to affect RNA splicing. In summary, the available evidence is currently insufficient to determine the role of this variant in disease. Therefore, it has been classified as a Variant of Uncertain Significance.

Literature cited by the submitters: PubMed 17576681 (cited by Labcorp Genetics (formerly Invitae), Labcorp); PubMed 9536098 (cited by Labcorp Genetics (formerly Invitae), Labcorp).

NM_133433.4(NIPBL):c.5808+6_5808+8del

Gene: NIPBL (NIPBL cohesin loading factor; plus strand). Cytogenetic location: 5p13.2.
Variant type: Microsatellite.
Coding change: c.5808+6_5808+8del on transcript NM_133433.4 (MANE Select); bases 6 to 8 of the intron after coding-DNA position 5808, 3 bases deleted (AAG; older notation c.5808+6_5808+8delAAG).
Molecular consequence: intron variant.
Genome position (GRCh38, 1-based): chr5:37,026,333-37,026,335, AAG deleted; deleting any 3 consecutive bases within chr5:37,026,330-37,026,335 gives the same sequence; the c. name uses the placement nearest the transcript's 3' end. VCF-style (leftmost placement, unchanged base first): chr5-37026329-TAAG-T. GRCh37 (hg19) VCF-style: chr5-37026431-TAAG-T.
Other names: c.5808+6_5808+8del (NM_015384.5); c.5808+6_5808+8delAAG (NM_133433.3).
Identifiers: ClinVar variation 2169740 (VCV002169740.5), dbSNP rs756996385, ClinGen allele CA3236848.